The following is an entry in ClinVar:

ClinVar aggregate classification (germline): Uncertain significance. Review status: criteria provided, multiple submitters, no conflicts (2 of 4 stars). 2 submissions from 2 submitters: Uncertain significance (2). Last evaluated 2025-07-02.

Conditions:
Osteogenesis imperfecta type I (OI1). Also called: Classic Non-deforming Osteogenesis Imperfecta with Blue Sclerae; Osteogenesis imperfecta type 1; OI, TYPE I; OSTEOGENESIS IMPERFECTA TARDA; OSTEOGENESIS IMPERFECTA WITH BLUE SCLERAE; Lobstein's Disease. Identifiers: Orphanet 216796, Orphanet 666, MedGen C0023931, MONDO:0008146, OMIM 166200. Disease mechanism: loss of function.

Allele frequency attached by ClinVar (database versions not stated): TOPMed below 0.00001; gnomAD 0.00001; gnomAD exomes 0.00001.
gnomAD v4.1: 12 of 1,456,108 alleles (0.00082%); highest among the groups gnomAD compares: Non-Finnish European, 0.0011%; no homozygotes.

Submissions (2):

Labcorp Genetics (formerly Invitae), Labcorp
Classification: Uncertain significance for Osteogenesis imperfecta type I. Last evaluated: 2025-07-02. Review status: criteria provided, single submitter. Criteria: Invitae Variant Classification Sherloc (09022015). Collection method: clinical testing. Allele origin: germline.
Comment: This sequence change falls in intron 5 of the COL1A1 gene. It does not directly change the encoded amino acid sequence of the COL1A1 protein. It affects a nucleotide within the consensus splice site. This variant is not present in population databases (gnomAD no frequency). This variant has not been reported in the literature in individuals affected with COL1A1-related conditions. ClinVar contains an entry for this variant (Variation ID: 1313733). Variants that disrupt the consensus splice site are a relatively common cause of aberrant splicing (PMID: 17576681, 9536098). Algorithms developed to predict the effect of sequence changes on RNA splicing suggest that this variant is not likely to affect RNA splicing. In summary, the available evidence is currently insufficient to determine the role of this variant in disease. Therefore, it has been classified as a Variant of Uncertain Significance.

GeneDx
Classification: Uncertain significance. Last evaluated: 2020-12-17. Review status: criteria provided, single submitter. Criteria: GeneDx Variant Classification Process June 2021. Collection method: clinical testing. Allele origin: germline. Affected: yes.
Comment: Has not been previously published as pathogenic or benign to our knowledge; Not observed in large population cohorts (Lek et al., 2016); In-silico analysis, which includes splice predictors and evolutionary conservation, is inconclusive as to whether the variant alters gene splicing. In the absence of RNA/functional studies, the actual effect of this sequence change is unknown.

Literature cited by the submitters: PubMed 17576681 (cited by Labcorp Genetics (formerly Invitae), Labcorp); PubMed 9536098 (cited by Labcorp Genetics (formerly Invitae), Labcorp).

NM_000088.4(COL1A1):c.471+6T>C

Gene: COL1A1 (collagen type I alpha 1 chain; minus strand). Cytogenetic location: 17q21.33.
Variant type: single nucleotide variant.
Coding change: c.471+6T>C on transcript NM_000088.4 (MANE Select); 6 bases into the intron after coding-DNA position 471, T replaced by C.
Molecular consequence: intron variant.
Genome position (GRCh38, 1-based): chr17:50,199,220, A>G on the plus strand (T>C on the coding strand, the complement: COL1A1 is on the minus strand). VCF-style: chr17-50199220-A-G. GRCh37 (hg19) VCF-style: chr17-48276581-A-G.
Identifiers: ClinVar variation 1313733 (VCV001313733.8), dbSNP rs1276599083, ClinGen allele CA772776383.